The following is an entry in ClinVar:

NM_005670.4(EPM2A):c.24G>A (p.Val8=)

Genes: EPM2A (EPM2A glucan phosphatase, laforin; minus strand), EPM2A-DT (EPM2A divergent transcript; plus strand), LOC129997381 (ATAC-STARR-seq lymphoblastoid silent region 17642; plus strand). Cytogenetic location: 6q24.3.
Variant type: single nucleotide variant.
Coding change: c.24G>A on transcript NM_005670.4 (MANE Select); coding-DNA position 24, G replaced by A.
Protein change: p.Val8=; no amino-acid change (valine 8 retained).
Molecular consequence: synonymous variant. On other transcripts: 5 prime UTR variant (3), intron variant (1).
Genome position (GRCh38, 1-based): chr6:145,735,475, C>T on the plus strand (G>A on the coding strand, the complement: EPM2A is on the minus strand). VCF-style: chr6-145735475-C-T. GRCh37 (hg19) VCF-style: chr6-146056611-C-T.
Other names: p.V8V:GTG>GTA; c.24G>A, p.Val8= (NM_001018041.2, NM_001360057.2, NM_001368130.1); c.-646G>A (NM_001360071.2); c.-600G>A (NM_001368129.2); c.-344G>A (NM_001368131.1); c.-114+433G>A (NM_001360064.2).
Identifiers: ClinVar variation 137222 (VCV000137222.54), dbSNP rs587780938, ClinGen allele CA232477.

ClinVar aggregate classification (germline): Conflicting classifications of pathogenicity. Review status: criteria provided, conflicting classifications (1 of 4 stars). 9 submissions from 9 submitters: Uncertain significance (1); Benign (2); Likely benign (5). 1 of the submissions does not count toward it. Last evaluated 2026-09-01.

Conditions:
Inborn genetic diseases. Identifiers: MedGen C0950123, MeSH D030342.
Progressive myoclonic epilepsy. Also called: Progressive myoclonus epilepsy; Myoclonic Epilepsies, Progressive; Familial progressive myoclonic epilepsy; Myoclonus epilepsy. Identifiers: Orphanet 308, Orphanet 98261, MedGen C0751778, MONDO:0020074.
Lafora disease. Also called: Epilepsy progressive myoclonic 2; Progressive Myoclonus Epilepsy, Lafora Type. Identifiers: Orphanet 501, MedGen C0751783, MONDO:0009697.

Allele frequency attached by ClinVar (database versions not stated): 1000 Genomes Project 30x 0.00016; gnomAD exomes 0.00055; gnomAD 0.00077; TOPMed 0.00084.
gnomAD v4.1: 1,808 of 1,212,804 alleles (0.15%); highest among the groups gnomAD compares: Non-Finnish European, 0.17%; 4 homozygotes.

Submissions (9):

CeGaT Center for Human Genetics Tuebingen
Classification: Likely benign. Last evaluated: 2026-09-01. Review status: criteria provided, single submitter. Criteria: CeGaT Center For Human Genetics Tuebingen Variant Classification Criteria Version 2. Collection method: clinical testing. Allele origin: germline. Affected: yes. Observed: 7 variant alleles.
Comment: EPM2A: BP4, BP7

Labcorp Genetics (formerly Invitae), Labcorp
Classification: Likely benign for Progressive myoclonic epilepsy. Last evaluated: 2026-02-03. Review status: criteria provided, single submitter. Criteria: Invitae Variant Classification Sherloc (09022015). Collection method: clinical testing. Allele origin: germline.

Athena Diagnostics
Classification: Benign. Last evaluated: 2025-03-17. Review status: criteria provided, single submitter. Criteria: Athena Diagnostics Criteria. Collection method: clinical testing. Allele origin: unknown.
Comment: The frequency of this variant in the general population is higher than would generally be expected for pathogenic variants in this gene. Computational tools yielded predictions that this variant is unlikely to have an effect on normal RNA splicing. This nucleotide position exhibits low evolutionary conservation.

Blueprint Genetics
Classification: Likely benign. Last evaluated: 2024-11-25. Review status: criteria provided, single submitter. Criteria: ACMG Guidelines, 2015. Collection method: clinical testing. Allele origin: germline.

Center for Genomics, Ann and Robert H. Lurie Children's Hospital of Chicago
Classification: Likely benign for Myoclonic epilepsy of Lafora 1. Last evaluated: 2022-07-22. Review status: criteria provided, single submitter. Criteria: ACMG Guidelines, 2015. Collection method: clinical testing. Allele origin: germline.
Comment: This variant has not been reported in the literature but is present in the Genome Aggregation Database (Highest reported MAF 0.1% (95/67772). This variant is present in ClinVar, with multiple classifications of Likely Benign or Benign (Variation ID:137222). Evolutionary conservation and computational predictive tools for this variant are limited or unavailable. Of note, this variant is a silent variant and does not change the amino acid, reducing the probability that this variant is disease causing. In summary, data on this variant suggests that this variant does not cause disease but requires further evidence. Therefore, this variant is classified as likely benign.

Ambry Genetics
Classification: Likely benign for Inborn genetic diseases. Last evaluated: 2016-07-24. Review status: criteria provided, single submitter. Criteria: Ambry Variant Classification Scheme 2023. Collection method: clinical testing. Allele origin: germline.

Eurofins Ntd Llc (ga)
Classification: Uncertain significance. Last evaluated: 2015-05-04. Review status: criteria provided, single submitter. Criteria: EGL Classification Definitions 2015. Collection method: clinical testing. Allele origin: germline. Observed: 1 variant allele, 1 heterozygote.

GeneDx
Classification: Benign. Last evaluated: 2013-07-12. Review status: criteria provided, single submitter. Criteria: GeneDx Variant Classification (06012015). Collection method: clinical testing. Allele origin: germline. Affected: yes.
Comment: This variant is considered likely benign or benign based on one or more of the following criteria: it is a conservative change, it occurs at a poorly conserved position in the protein, it is predicted to be benign by multiple in silico algorithms, and/or has population frequency not consistent with disease.

Mayo Clinic Laboratories, Mayo Clinic
Classification: Likely benign. Last evaluated: 2017-07-26. Review status: no assertion criteria provided. Collection method: clinical testing. Allele origin: unknown. Not counted in ClinVar's aggregate classification.

Literature cited by the submitters: PubMed 31440721 (cited by Athena Diagnostics); PubMed 27843123 (cited by Athena Diagnostics).